The following is an entry in ClinVar:

NM_006904.7(PRKDC):c.816G>T (p.Leu272Phe)

Gene: PRKDC (protein kinase, DNA-activated, catalytic subunit; minus strand). Cytogenetic location: 8q11.21.
Variant type: single nucleotide variant.
Coding change: c.816G>T on transcript NM_006904.7 (MANE Select); coding-DNA position 816, G replaced by T.
Protein change: p.Leu272Phe; replaces leucine 272 with phenylalanine.
Molecular consequence: missense variant.
Genome position (GRCh38, 1-based): chr8:47,943,359, C>A on the plus strand (G>T on the coding strand, the complement: PRKDC is on the minus strand). VCF-style: chr8-47943359-C-A. GRCh37 (hg19) VCF-style: chr8-48855919-C-A.
Other names: c.816G>T, p.Leu272Phe (NM_001081640.2); short protein forms L272F.
Identifiers: ClinVar variation 2561916 (VCV002561916.2), dbSNP rs2551880642, ClinGen allele CA371136308.
Genomic context (GRCh38, chr8:47,943,359, plus strand): 5'-AGACACGTAGTTGTCCAGAAGGCAGGTGCTAAACTGAGATGCATGCAGGGCAAATAGGCG[C>A]AAGCCAGCTGCAAATGCAAATGCCATTATATTTAAAATCAGACGACATAACACAGAACAG-3'
Protein context (NP_008835.5, residues 262-282): LKRYAVPSAG[Leu272Phe]RLFALHASQF

ClinVar aggregate classification (germline): Uncertain significance (1 of 4 stars; one submission).

Allele frequency attached by ClinVar (database versions not stated): gnomAD exomes below 0.00001.
gnomAD v4.1: 1 of 1,599,750 alleles (0.000063%); highest among the groups gnomAD compares: Non-Finnish European, 0.000085%; no homozygotes.

Submission:

Ambry Genetics
Classification: Uncertain significance. Last evaluated: 2023-05-20. Review status: criteria provided, single submitter. Criteria: Ambry Variant Classification Scheme 2023. Collection method: clinical testing. Allele origin: germline.
Comment: The p.L272F variant (also known as c.816G>T), located in coding exon 10 of the PRKDC gene, results from a G to T substitution at nucleotide position 816. The leucine at codon 272 is replaced by phenylalanine, an amino acid with highly similar properties. This amino acid position is conserved. In addition, the in silico prediction for this alteration is inconclusive. Since supporting evidence is limited at this time, the clinical significance of this alteration remains unclear.